The following is an entry in ClinVar:

NM_000384.3(APOB):c.6185A>G (p.Lys2062Arg)

Gene: APOB (apolipoprotein B; minus strand). Cytogenetic location: 2p24.1.
Variant type: single nucleotide variant.
Coding change: c.6185A>G on transcript NM_000384.3 (MANE Select); coding-DNA position 6185, A replaced by G.
Protein change: p.Lys2062Arg; replaces lysine 2062 with arginine.
Molecular consequence: missense variant.
Genome position (GRCh38, 1-based): chr2:21,010,683, T>C on the plus strand (A>G on the coding strand, the complement: APOB is on the minus strand). VCF-style: chr2-21010683-T-C. GRCh37 (hg19) VCF-style: chr2-21233555-T-C.
Other names: short protein forms K2062R.
Identifiers: ClinVar variation 4282185 (VCV004282185.1).

ClinVar aggregate classification (germline): Uncertain significance (1 of 4 stars; one submission).

gnomAD v4.1: 1 of 1,614,074 alleles (0.000062%); highest among the groups gnomAD compares: Non-Finnish European, 0.000085%; no homozygotes.

Submission:

GeneDx
Classification: Uncertain significance. Last evaluated: 2025-04-15. Review status: criteria provided, single submitter. Criteria: GeneDx Variant Classification Process June 2021. Collection method: clinical testing. Allele origin: germline. Affected: yes.
Comment: Not observed at significant frequency in large population cohorts (gnomAD); In silico analysis supports that this missense variant has a deleterious effect on protein structure/function; Has not been previously published as pathogenic or benign to our knowledge